The following is an entry in ClinVar:

NM_004304.5(ALK):c.3595A>C (p.Met1199Leu)

Gene: ALK (ALK receptor tyrosine kinase; minus strand). Cytogenetic location: 2p23.2.
Variant type: single nucleotide variant.
Coding change: c.3595A>C on transcript NM_004304.5 (MANE Select); coding-DNA position 3595, A replaced by C.
Protein change: p.Met1199Leu; replaces methionine 1199 with leucine.
Molecular consequence: missense variant.
Genome position (GRCh38, 1-based): chr2:29,220,756, T>G on the plus strand (A>C on the coding strand, the complement: ALK is on the minus strand). VCF-style: chr2-29220756-T-G. GRCh37 (hg19) VCF-style: chr2-29443622-T-G.
Other names: c.391A>C, p.Met131Leu (NM_001353765.2); short protein forms M1199L, M131L.
Identifiers: ClinVar variation 470837 (VCV000470837.15), dbSNP rs1400239417, ClinGen allele CA346473045.

ClinVar aggregate classification (germline): Uncertain significance. Review status: criteria provided, multiple submitters, no conflicts (2 of 4 stars). 3 submissions from 3 submitters: Uncertain significance (3). Last evaluated 2026-01-13.

Conditions:
Hereditary cancer-predisposing syndrome. Also called: Hereditary neoplastic syndrome; Neoplastic Syndromes, Hereditary; Tumor predisposition; Hereditary Cancer Syndrome. Identifiers: Orphanet 140162, MedGen C0027672, MeSH D009386, MONDO:0015356.
Neuroblastoma, susceptibility to, 3. Also called: ALK-Related Neuroblastic Tumor Susceptibility. Identifiers: Orphanet 635, MedGen C2751681, MONDO:0013083, OMIM 613014.

Submissions (3):

Labcorp Genetics (formerly Invitae), Labcorp
Classification: Uncertain significance for Neuroblastoma, susceptibility to, 3. Last evaluated: 2026-01-13. Review status: criteria provided, single submitter. Criteria: Invitae Variant Classification Sherloc (09022015). Collection method: clinical testing. Allele origin: germline.
Comment: This sequence change replaces methionine, which is neutral and non-polar, with leucine, which is neutral and non-polar, at codon 1199 of the ALK protein (p.Met1199Leu). This variant is not present in population databases (gnomAD no frequency). This missense change has been observed in individual(s) with medulloblastoma (PMID: 27179218). ClinVar contains an entry for this variant (Variation ID: 470837). An algorithm developed to predict the effect of missense changes on protein structure and function (PolyPhen-2) suggests that this variant is likely to be tolerated. In summary, the available evidence is currently insufficient to determine the role of this variant in disease. Therefore, it has been classified as a Variant of Uncertain Significance.

Ambry Genetics
Classification: Uncertain significance for Hereditary cancer-predisposing syndrome. Last evaluated: 2025-03-11. Review status: criteria provided, single submitter. Criteria: Ambry Variant Classification Scheme 2023. Collection method: clinical testing. Allele origin: germline.
Comment: The p.M1199L variant (also known as c.3595A>C), located in coding exon 23 of the ALK gene, results from an A to C substitution at nucleotide position 3595. The methionine at codon 1199 is replaced by leucine, an amino acid with highly similar properties. This amino acid position is highly conserved in available vertebrate species. In addition, the in silico prediction for this alteration is inconclusive. Based on the available evidence, the clinical significance of this variant remains unclear.

Baylor Genetics
Classification: Uncertain significance for Neuroblastoma, susceptibility to, 3. Last evaluated: 2023-09-01. Review status: criteria provided, single submitter. Criteria: ACMG Guidelines, 2015. Collection method: clinical testing. Allele origin: unknown.

Literature cited by the submitters: PubMed 27179218 (cited by Labcorp Genetics (formerly Invitae), Labcorp and Ambry Genetics).